The following is an entry in ClinVar:

ClinVar aggregate classification (germline): Likely pathogenic (1 of 4 stars; one submission).

Conditions:
Polycystic kidney disease, adult type (PKD1). Also called: Polycystic Kidney, Autosomal Dominant; POLYCYSTIC KIDNEY DISEASE, ADULT, TYPE I; Polycystic Kidney Disease 1, Autosomal Dominant; Polycystic kidney disease 1; Polycystic kidney disease 1, severe; POLYCYSTIC KIDNEY DISEASE 1 WITH OR WITHOUT POLYCYSTIC LIVER DISEASE. Identifiers: MedGen C3149841, MONDO:0008263, OMIM 173900.

Submission:

Juno Genomics, Hangzhou Juno Genomics, Inc
Classification: Likely pathogenic for Polycystic kidney disease, adult type. Review status: criteria provided, single submitter. Criteria: ACMG Guidelines, 2015. Collection method: clinical testing. Allele origin: germline. Affected: yes.
Comment: Absent from controls (or at extremely low frequency if recessive) in Genome Aggregation Database.;Null variant in a gene where loss of function (LOF) is a known mechanism of disease.

NM_001009944.3(PKD1):c.11411+1_11411+24delinsCCCTCA

Genes: PKD1 (polycystin 1, transient receptor potential channel interacting; minus strand), PKD1-AS1 (PKD1 antisense RNA 1; plus strand). Cytogenetic location: 16p13.3.
Variant type: Indel.
Coding change: c.11411+1_11411+24delinsCCCTCA on transcript NM_001009944.3 (MANE Select); the canonical splice donor site of the intron after coding-DNA position 11411 through 24 bases into the intron after coding-DNA position 11411, GTGAGCAGAGCGAGGGCCCCGGGC replaced by CCCTCA.
Molecular consequence: splice donor variant.
Genome position (GRCh38, 1-based): chr16:2,092,023-2,092,046, GCCCGGGGCCCTCGCTCTGCTCAC replaced by TGAGGG on the plus strand (GTGAGCAGAGCGAGGGCCCCGGGC replaced by CCCTCA on the coding strand, the reverse complement: PKD1 is on the minus strand). VCF-style: chr16-2092023-GCCCGGGGCCCTCGCTCTGCTCAC-TGAGGG. GRCh37 (hg19) VCF-style: chr16-2142024-GCCCGGGGCCCTCGCTCTGCTCAC-TGAGGG.
Other names: c.11411+1_11411+25delinsCCCTCAG (NM_001009944.3); c.11408+1_11408+24delinsCCCTCA (NM_000296.4).
Identifiers: ClinVar variation 5018796 (VCV005018796.1).